The following is an entry in ClinVar:

NM_006231.4(POLE):c.4135G>A (p.Ala1379Thr)

Gene: POLE (DNA polymerase epsilon, catalytic subunit; minus strand). Cytogenetic location: 12q24.33.
Variant type: single nucleotide variant.
Coding change: c.4135G>A on transcript NM_006231.4 (MANE Select); coding-DNA position 4135, G replaced by A.
Protein change: p.Ala1379Thr; replaces alanine 1379 with threonine.
Molecular consequence: missense variant.
Genome position (GRCh38, 1-based): chr12:132,648,943, C>T on the plus strand (G>A on the coding strand, the complement: POLE is on the minus strand). VCF-style: chr12-132648943-C-T. GRCh37 (hg19) VCF-style: chr12-133225529-C-T.
Other names: c.4135G>A (NM_006231.2); short protein forms A1379T.
Identifiers: ClinVar variation 571354 (VCV000571354.9), dbSNP rs1565945249, ClinGen allele CA387383611.
Genomic context (GRCh38, chr12:132,648,943, plus strand): 5'-TCAGGCTGCCCAGATGACTGCAGAGGCAGCACCAGCTCCTCCCTACCTTGCGATACGAAG[C>T]ACCCTCCTCCGCTTTAGCGACTCGCTGGTTCACGTAGAACACACGGGGGATGCTCAGCCT-3'
Protein context (NP_006222.2, residues 1369-1389): NQRVAKAEEG[Ala1379Thr]SYRKVNRVLP

ClinVar aggregate classification (germline): Conflicting classifications of pathogenicity. Review status: criteria provided, conflicting classifications (1 of 4 stars). 2 submissions from 2 submitters: Uncertain significance (1); Likely benign (1). Last evaluated 2026-04-05.

Conditions:
Hereditary cancer-predisposing syndrome. Also called: Tumor predisposition; Hereditary Cancer Syndrome; Neoplastic Syndromes, Hereditary; Hereditary neoplastic syndrome. Identifiers: Orphanet 140162, MedGen C0027672, MeSH D009386, MONDO:0015356.

Allele frequency attached by ClinVar (database versions not stated): gnomAD exomes below 0.00001.
gnomAD v4.1: 1 of 1,612,934 alleles (0.000062%); highest among the groups gnomAD compares: Non-Finnish European, 0.000085%; no homozygotes.

Submissions (2):

Ambry Genetics
Classification: Likely benign for Hereditary cancer-predisposing syndrome. Last evaluated: 2026-04-05. Review status: criteria provided, single submitter. Criteria: Ambry Variant Classification Scheme 2023. Collection method: clinical testing. Allele origin: germline.

Labcorp Genetics (formerly Invitae), Labcorp
Classification: Uncertain significance. Last evaluated: 2024-02-15. Review status: criteria provided, single submitter. Criteria: Invitae Variant Classification Sherloc (09022015). Collection method: clinical testing. Allele origin: germline.
Comment: This sequence change replaces alanine, which is neutral and non-polar, with threonine, which is neutral and polar, at codon 1379 of the POLE protein (p.Ala1379Thr). This variant is not present in population databases (gnomAD no frequency). This variant has not been reported in the literature in individuals affected with POLE-related conditions. ClinVar contains an entry for this variant (Variation ID: 571354). Advanced modeling of protein sequence and biophysical properties (such as structural, functional, and spatial information, amino acid conservation, physicochemical variation, residue mobility, and thermodynamic stability) performed at Invitae indicates that this missense variant is not expected to disrupt POLE protein function with a negative predictive value of 80%. In summary, the available evidence is currently insufficient to determine the role of this variant in disease. Therefore, it has been classified as a Variant of Uncertain Significance.